The following is an entry in ClinVar:

ClinVar aggregate classification (germline): Pathogenic. Review status: criteria provided, multiple submitters, no conflicts (2 of 4 stars). 2 submissions from 2 submitters: Pathogenic (2). Last evaluated 2022-07-12.

Conditions:
Syndromic X-linked intellectual disability Najm type (MICPCH). Also called: Intellectual developmental disorder and microcephaly with pontine and cerebellar hypoplasia; Mental retardation and microcephaly with pontine and cerebellar hypoplasia; MENTAL RETARDATION, X-LINKED, SYNDROMIC, NAJM TYPE; Intellectual Disability and Microcephaly with Pontine and Cerebellar Hypoplasia (MICPCH); Intellectual Disability and Microcephaly with Pontine and Cerebellar Hypoplasia; MICPCH SYNDROME. Identifiers: Orphanet 163937, MedGen C2677903, MONDO:0010417, OMIM 300749.

Submissions (2):

GeneDx
Classification: Pathogenic. Last evaluated: 2022-07-12. Review status: criteria provided, single submitter. Criteria: GeneDx Variant Classification Process June 2021. Collection method: clinical testing. Allele origin: germline. Affected: yes.
Comment: Nonsense variant predicted to result in protein truncation or nonsense mediated decay in a gene for which loss-of-function is a known mechanism of disease; Not observed in large population cohorts (gnomAD); This variant is associated with the following publications: (PMID: 35670295)

Genetic Services Laboratory, University of Chicago
Classification: Pathogenic for Mental retardation and microcephaly with pontine and cerebellar hypoplasia. Last evaluated: 2016-10-13. Review status: criteria provided, single submitter. Criteria: ACMG Guidelines, 2015. Collection method: clinical testing. Allele origin: germline. Affected: yes.

NM_001367721.1(CASK):c.1864G>T (p.Glu622Ter)

Gene: CASK (calcium/calmodulin dependent serine protein kinase; minus strand). Cytogenetic location: Xp11.4.
Variant type: single nucleotide variant.
Coding change: c.1864G>T on transcript NM_001367721.1 (MANE Select); coding-DNA position 1864, G replaced by T.
Protein change: p.Glu622Ter; replaces glutamic acid 622 with a stop codon.
Molecular consequence: nonsense.
Genome position (GRCh38, 1-based): chrX:41,553,894, C>A on the plus strand (G>T on the coding strand, the complement: CASK is on the minus strand). VCF-style: chrX-41553894-C-A. GRCh37 (hg19) VCF-style: chrX-41413147-C-A.
Other names: c.1795G>T, p.Glu599Ter (NM_001126054.3); c.1777G>T, p.Glu593Ter (NM_001126055.3); c.1846G>T, p.Glu616Ter (NM_001410745.1); c.1864G>T, p.Glu622Ter (NM_003688.4); short protein forms E622*, E593*, E599*, E616*.
Identifiers: ClinVar variation 434587 (VCV000434587.8), dbSNP rs1555980033, ClinGen allele CA412993392.